The following is an entry in ClinVar:

ClinVar aggregate classification (germline): Pathogenic/Likely pathogenic. Review status: criteria provided, multiple submitters, no conflicts (2 of 4 stars). 6 submissions from 6 submitters: Pathogenic (3); Likely pathogenic (2). 1 of the submissions does not count toward it. Last evaluated 2026-02-10.

Conditions:
Leber congenital amaurosis 5 (LCA5). Also called: Amaurosis congenita of Leber, type 5. Identifiers: Orphanet 65, MedGen C1858301, MONDO:0011473, OMIM 604537.
Leber congenital amaurosis (LCA). Also called: Leber's amaurosis. Identifiers: Orphanet 65, MedGen C0339527, MeSH D057130, MONDO:0018998.

Submissions (6):

Dasa
Classification: Likely pathogenic. Last evaluated: 2026-02-10. Review status: criteria provided, single submitter. Criteria: DASA Assertion Criteria. Collection method: clinical testing. Allele origin: germline.
Comment: NM_001122769.3(LCA5):c.744_750del (p.Ser249Thrfs*35) is a frameshift variant in LCA5 predicted to alter the reading frame and introduce a premature termination codon and is predicted to result in an absent or altered protein product. Loss of function is an established disease mechanism for LCA5-associated disorders. Also, this variant is rare in population databases. Based on the currently available evidence, this variant is classified as likely pathogenic.

Labcorp Genetics (formerly Invitae), Labcorp
Classification: Pathogenic. Last evaluated: 2026-01-09. Review status: criteria provided, single submitter. Criteria: Invitae Variant Classification Sherloc (09022015). Collection method: clinical testing. Allele origin: germline.
Comment: This sequence change creates a premature translational stop signal (p.Ser249Thrfs*35) in the LCA5 gene. It is expected to result in an absent or disrupted protein product. Loss-of-function variants in LCA5 are known to be pathogenic (PMID: 17546029, 23946133). This variant is not present in population databases (gnomAD no frequency). This premature translational stop signal has been observed in individual(s) with LCA5-related conditions (PMID: 36909829). ClinVar contains an entry for this variant (Variation ID: 978441). For these reasons, this variant has been classified as Pathogenic.

Natera, Inc.
Classification: Pathogenic for Leber congenital amaurosis type 5. Last evaluated: 2025-04-07. Review status: criteria provided, single submitter. Criteria: Natera Variant Classification Schema (03/2026). Collection method: clinical testing. Allele origin: germline.
Comment: The c.744_750delGAGTACT variant in LCA5 is a frameshift variant predicted to shift the reading frame beginning at codon 249 and leads to a stop codon 35 codons downstream. This variant is expected to result in nonsense mediated decay, truncation, or a dysfunctional protein product. This variant is rare in the general population with a frequency below the threshold expected for the associated phenotype(s). This variant has been observed in one or more individuals affected with the associated recessive disease, as either homozygous or compound heterozygous with a second variant (PMID: 36909829). Given the available evidence, this variant is classified as Pathogenic.

Fulgent Genetics
Classification: Likely pathogenic for Leber congenital amaurosis 5. Last evaluated: 2024-05-02. Review status: criteria provided, single submitter. Criteria: ACMG Guidelines, 2015. Collection method: clinical testing. Allele origin: germline.

Ophthalmic Genetics Group, Institute of Molecular and Clinical Ophthalmology Basel
Classification: Pathogenic for Leber congenital amaurosis. Last evaluated: 2023-07-24. Review status: criteria provided, single submitter. Criteria: ACMG Guidelines, 2015. Collection method: research. Allele origin: germline. Affected: yes. Observed: 1 variant allele.
Comment: Clinical significance based on ACMG v2.0

This variant was classified as Pathogenic based on ACMG criteria: PVS1, PM2, PP5.

Laboratory of Genetics in Ophthalmology, Institut Imagine
Classification: Pathogenic for Leber congenital amaurosis 5. Review status: no assertion criteria provided. Collection method: research. Allele origin: inherited. Affected: yes. Observed: 3 variant alleles. Not counted in ClinVar's aggregate classification.

Literature cited by the submitters: PubMed 17546029 (cited by Labcorp Genetics (formerly Invitae), Labcorp); PubMed 23946133 (cited by Labcorp Genetics (formerly Invitae), Labcorp); PubMed 36909829 (cited by 3 submitters).

NM_001122769.3(LCA5):c.744_750del (p.Ser249fs)

Gene: LCA5 (lebercilin LCA5; minus strand). Cytogenetic location: 6q14.1.
Variant type: Deletion.
Coding change: c.744_750del on transcript NM_001122769.3 (MANE Select); coding-DNA positions 744 to 750, 7 bases deleted (GAGTACT; older notation c.744_750delGAGTACT).
Protein change: p.Ser249fs; shifts the reading frame from serine 249.
Molecular consequence: frameshift variant.
Genome position (GRCh38, 1-based): chr6:79,493,721-79,493,727, AGTACTC deleted on the plus strand (GAGTACT on the coding strand, the reverse complement: LCA5 is on the minus strand); deleting any 7 consecutive bases within chr6:79,493,721-79,493,730 gives the same sequence; the c. name uses the placement nearest the transcript's 3' end. VCF-style (leftmost placement, unchanged base first): chr6-79493720-TAGTACTC-T. GRCh37 (hg19) VCF-style: chr6-80203437-TAGTACTC-T.
Other names: NC_000006.11:g.80203441_80203447del; NP_001116241.1:p.(Ser249ThrfsTer35); c.744_750delGAGTACT (NM_181714.3); c.744_750del, p.Ser249fs (NM_181714.4); short protein forms S249fs.
Identifiers: ClinVar variation 978441 (VCV000978441.11), dbSNP rs1769904494, ClinGen allele CA1090933186.
Genomic context (GRCh38, chr6:79,493,720, plus strand): 5'-TTTCATCATGAGCCTCATATGCCCTTTTCCTTTCAGCAAGCAACTGTCGTTGGAAACTGT[TAGTACTC>T]AGTTCAAGGTTTTTCGATAGCTCCTATATGTATAAATACATAAAAAGCAGTCCTTTAAAA-3'